The following is an entry in ClinVar:

NM_000191.3(HMGCL):c.484dup (p.Ile162fs)

Gene: HMGCL (3-hydroxy-3-methylglutaryl-CoA lyase; minus strand). Cytogenetic location: 1p36.11.
Variant type: Duplication.
Coding change: c.484dup on transcript NM_000191.3 (MANE Select); coding-DNA position 484, one base duplicated (A; older notation c.484dupA).
Protein change: p.Ile162fs; shifts the reading frame from isoleucine 162.
Molecular consequence: frameshift variant. On other transcripts: intron variant (1).
Genome position (GRCh38, 1-based): chr1:23,814,203, T duplicated on the plus strand (A on the coding strand, the reverse complement: HMGCL is on the minus strand). VCF-style (leftmost placement, unchanged base first): chr1-23814202-A-AT. GRCh37 (hg19) VCF-style: chr1-24140692-A-AT.
Other names: c.348+2472dup (NM_001166059.2); short protein forms I162fs.
Identifiers: ClinVar variation 2848766 (VCV002848766.3), dbSNP rs2521440743, ClinGen allele CA2739272388.
Genomic context (GRCh38, chr1:23,814,202, plus strand): 5'-CATTCCAGAACGGTACAGAGGAAAGGATACCAATGTGCTCTGACTCACCCCCGCACAGAA[A>AT]TATTGGCTGACTGCGCTGCCTTCAGGATTGCGTCAAACCTCTGAAAACTCTCCTCTATGG-3'

ClinVar aggregate classification (germline): Pathogenic (1 of 4 stars; one submission).

Conditions:
Deficiency of hydroxymethylglutaryl-CoA lyase (HMGCLD). Also called: HMGCL DEFICIENCY; HYDROXYMETHYLGLUTARIC ACIDURIA; Defect in leucine metabolism; 3-hydroxy-3-methylglutaric aciduria; HMG-CoA LYASE DEFICIENCY. Identifiers: Orphanet 20, MedGen C1533587, MONDO:0009520, OMIM 246450.

Submission:

Labcorp Genetics (formerly Invitae), Labcorp
Classification: Pathogenic for Deficiency of hydroxymethylglutaryl-CoA lyase. Last evaluated: 2023-03-23. Review status: criteria provided, single submitter. Criteria: Invitae Variant Classification Sherloc (09022015). Collection method: clinical testing. Allele origin: germline.
Comment: For these reasons, this variant has been classified as Pathogenic. This variant has not been reported in the literature in individuals affected with HMGCL-related conditions. This variant is not present in population databases (gnomAD no frequency). This sequence change creates a premature translational stop signal (p.Ile162Asnfs*16) in the HMGCL gene. It is expected to result in an absent or disrupted protein product. Loss-of-function variants in HMGCL are known to be pathogenic (PMID: 9817922, 17692550, 23465862).

Literature cited by the submitters: PubMed 9817922; PubMed 17692550; PubMed 23465862.